The following is an entry in ClinVar:

NM_003640.5(ELP1):c.1587C>A (p.His529Gln)

Gene: ELP1 (elongator acetyltransferase complex subunit 1; minus strand). Cytogenetic location: 9q31.3.
Variant type: single nucleotide variant.
Coding change: c.1587C>A on transcript NM_003640.5 (MANE Select); coding-DNA position 1587, C replaced by A.
Protein change: p.His529Gln; replaces histidine 529 with glutamine.
Molecular consequence: missense variant.
Genome position (GRCh38, 1-based): chr9:108,906,359, G>T on the plus strand (C>A on the coding strand, the complement: ELP1 is on the minus strand). VCF-style: chr9-108906359-G-T. GRCh37 (hg19) VCF-style: chr9-111668639-G-T.
Other names: c.1245C>A, p.His415Gln (NM_001318360.2); c.540C>A, p.His180Gln (NM_001330749.2); short protein forms H180Q, H415Q, H529Q.
Identifiers: ClinVar variation 2444879 (VCV002444879.2), dbSNP rs1435087122, ClinGen allele CA374427393.

ClinVar aggregate classification (germline): Uncertain significance. Review status: criteria provided, multiple submitters, no conflicts (2 of 4 stars). 2 submissions from 2 submitters: Uncertain significance (2). Last evaluated 2025-01-11.

Conditions:
Medulloblastoma (MDB). Also called: Medulloblastoma, somatic; MEDULLOBLASTOMA PREDISPOSITION SYNDROME. Identifiers: Orphanet 616, MedGen C0025149, MeSH D008527, MONDO:0007959, OMIM 155255, HP:0002885.

Allele frequency attached by ClinVar (database versions not stated): TOPMed below 0.00001; gnomAD exomes 0.00001; gnomAD 0.00002.
gnomAD v4.1: 11 of 1,613,980 alleles (0.00068%); highest among the groups gnomAD compares: Non-Finnish European, 0.00085%; no homozygotes.

Submissions (2):

Labcorp Genetics (formerly Invitae), Labcorp
Classification: Uncertain significance. Last evaluated: 2025-01-11. Review status: criteria provided, single submitter. Criteria: Invitae Variant Classification Sherloc (09022015). Collection method: clinical testing. Allele origin: germline.
Comment: This sequence change replaces histidine, which is basic and polar, with glutamine, which is neutral and polar, at codon 529 of the ELP1 protein (p.His529Gln). This variant is present in population databases (no rsID available, gnomAD 0.004%). This variant has not been reported in the literature in individuals affected with ELP1-related conditions. ClinVar contains an entry for this variant (Variation ID: 2444879). Invitae Evidence Modeling of protein sequence and biophysical properties (such as structural, functional, and spatial information, amino acid conservation, physicochemical variation, residue mobility, and thermodynamic stability) indicates that this missense variant is not expected to disrupt ELP1 protein function with a negative predictive value of 80%. In summary, the available evidence is currently insufficient to determine the role of this variant in disease. Therefore, it has been classified as a Variant of Uncertain Significance.

St. Jude Molecular Pathology, St. Jude Children's Research Hospital
Classification: Uncertain significance for Medulloblastoma. Last evaluated: 2023-02-27. Review status: criteria provided, single submitter. Criteria: St. Jude Assertion Criteria 2020. Collection method: clinical testing. Allele origin: germline.
Comment: The ELP1 c.1587C>A (p.His529Gln) missense change has a maximum subpopulation frequency of 0.0039% in gnomAD v2.1.1. The in silico tool REVEL predicts a benign effect on protein function, but to our knowledge this prediction has not been confirmed by functional studies. To our knowledge, this variant has not been reported in individuals with a personal or family history of medulloblastoma. In summary, the evidence currently available is insufficient to determine the clinical significance of this variant. It has therefore been classified as of uncertain significance.